The following is an entry in ClinVar:

ClinVar aggregate classification (germline): Uncertain significance. Review status: criteria provided, multiple submitters, no conflicts (2 of 4 stars). 3 submissions from 3 submitters: Uncertain significance (3). Last evaluated 2024-10-24.

Conditions:
Cardiovascular phenotype. Identifiers: MedGen CN230736.
Dilated cardiomyopathy 1CC (CMD1CC). Identifiers: Orphanet 154, MedGen C2751084, MONDO:0013147, OMIM 613122.
Hypertrophic cardiomyopathy 20. Identifiers: MedGen C3151267, MONDO:0013477, OMIM 613876.

Allele frequency attached by ClinVar (database versions not stated): gnomAD 0.00001; TOPMed 0.00001.
gnomAD v4.1: 2 of 1,613,944 alleles (0.00012%); highest among the groups gnomAD compares: African/African-American, 0.0027%; no homozygotes.

Submissions (3):

Ambry Genetics
Classification: Uncertain significance for Cardiovascular phenotype. Last evaluated: 2024-10-24. Review status: criteria provided, single submitter. Criteria: Ambry Variant Classification Scheme 2023. Collection method: clinical testing. Allele origin: germline.
Comment: The p.R258G variant (also known as c.772A>G), located in coding exon 7 of the NEXN gene, results from an A to G substitution at nucleotide position 772. The arginine at codon 258 is replaced by glycine, an amino acid with dissimilar properties. This amino acid position is conserved. In addition, the in silico prediction for this alteration is inconclusive. Based on the available evidence, the clinical significance of this variant remains unclear.

Fulgent Genetics
Classification: Uncertain significance for Dilated cardiomyopathy 1CC; Hypertrophic cardiomyopathy 20. Last evaluated: 2021-09-14. Review status: criteria provided, single submitter. Criteria: ACMG Guidelines, 2015. Collection method: clinical testing. Allele origin: unknown.

Labcorp Genetics (formerly Invitae), Labcorp
Classification: Uncertain significance for Dilated cardiomyopathy 1CC; Hypertrophic cardiomyopathy 20. Last evaluated: 2020-06-30. Review status: criteria provided, single submitter. Criteria: Invitae Variant Classification Sherloc (09022015). Collection method: clinical testing. Allele origin: germline.
Comment: This sequence change replaces arginine with glycine at codon 258 of the NEXN protein (p.Arg258Gly). The arginine residue is highly conserved and there is a moderate physicochemical difference between arginine and glycine. This variant is not present in population databases (ExAC no frequency). This variant has not been reported in the literature in individuals with NEXN-related conditions. Algorithms developed to predict the effect of missense changes on protein structure and function (SIFT, PolyPhen-2, Align-GVGD) all suggest that this variant is likely to be disruptive, but these predictions have not been confirmed by published functional studies and their clinical significance is uncertain. In summary, the available evidence is currently insufficient to determine the role of this variant in disease. Therefore, it has been classified as a Variant of Uncertain Significance.

NM_144573.4(NEXN):c.772A>G (p.Arg258Gly)

Gene: NEXN (nexilin F-actin binding protein; plus strand). Cytogenetic location: 1p31.1.
Variant type: single nucleotide variant.
Coding change: c.772A>G on transcript NM_144573.4 (MANE Select); coding-DNA position 772, A replaced by G.
Protein change: p.Arg258Gly; replaces arginine 258 with glycine.
Molecular consequence: missense variant.
Genome position (GRCh38, 1-based): chr1:77,926,800, A>G. VCF-style: chr1-77926800-A-G. GRCh37 (hg19) VCF-style: chr1-78392485-A-G.
Other names: c.580A>G, p.Arg194Gly (NM_001172309.2); c.772A>G (NM_144573.3); short protein forms R194G, R258G.
Identifiers: ClinVar variation 1046776 (VCV001046776.9), dbSNP rs1308264799, ClinGen allele CA340874065.